The following is an entry in ClinVar:

NM_000051.4(ATM):c.2566A>T (p.Asn856Tyr)

Gene: ATM (ATM serine/threonine kinase; plus strand). Cytogenetic location: 11q22.3.
Variant type: single nucleotide variant.
Coding change: c.2566A>T on transcript NM_000051.4 (MANE Select); coding-DNA position 2566, A replaced by T.
Protein change: p.Asn856Tyr; replaces asparagine 856 with tyrosine.
Molecular consequence: missense variant.
Genome position (GRCh38, 1-based): chr11:108,267,270, A>T. VCF-style: chr11-108267270-A-T. GRCh37 (hg19) VCF-style: chr11-108137997-A-T.
Other names: c.2566A>T, p.Asn856Tyr (NM_001351834.2); short protein forms N856Y.
Identifiers: ClinVar variation 2061312 (VCV002061312.4), dbSNP rs774757757, ClinGen allele CA382543829.

ClinVar aggregate classification (germline): Uncertain significance (1 of 4 stars; one submission).

Conditions:
Ataxia-telangiectasia syndrome (AT). Also called: ATAXIA-TELANGIECTASIA, COMPLEMENTATION GROUP A; ATAXIA-TELANGIECTASIA, FRESNO VARIANT; Ataxia-telangiectasia; Ataxia telangiectasia (A-T); Ataxia-telangiectasia, complementation group E; Cerebello-oculocutaneous telangiectasia. Identifiers: Orphanet 100, MedGen C0004135, MONDO:0008840, OMIM 208900.

Allele frequency attached by ClinVar (database versions not stated): TOPMed below 0.00001.

Submission:

Labcorp Genetics (formerly Invitae), Labcorp
Classification: Uncertain significance for Ataxia-telangiectasia syndrome. Last evaluated: 2024-06-24. Review status: criteria provided, single submitter. Criteria: Invitae Variant Classification Sherloc (09022015). Collection method: clinical testing. Allele origin: germline.
Comment: This sequence change replaces asparagine, which is neutral and polar, with tyrosine, which is neutral and polar, at codon 856 of the ATM protein (p.Asn856Tyr). This variant is not present in population databases (gnomAD no frequency). This variant has not been reported in the literature in individuals affected with ATM-related conditions. ClinVar contains an entry for this variant (Variation ID: 2061312). An algorithm developed to predict the effect of missense changes on protein structure and function (PolyPhen-2) suggests that this variant is likely to be tolerated. In summary, the available evidence is currently insufficient to determine the role of this variant in disease. Therefore, it has been classified as a Variant of Uncertain Significance.